The following is an entry in ClinVar:

NM_012210.4(TRIM32):c.567G>C (p.Gly189=)

Genes: ASTN2 (astrotactin 2; minus strand), TRIM32 (tripartite motif containing 32; plus strand). Cytogenetic location: 9q33.1.
Variant type: single nucleotide variant.
Coding change: c.567G>C on transcript NM_012210.4 (MANE Select); coding-DNA position 567, G replaced by C.
Protein change: p.Gly189=; no amino-acid change (glycine 189 retained).
Molecular consequence: synonymous variant. On other transcripts: intron variant (3).
Genome position (GRCh38, 1-based): chr9:116,698,309, G>C. VCF-style: chr9-116698309-G-C. GRCh37 (hg19) VCF-style: chr9-119460588-G-C.
Other names: c.567G>C, p.Gly189= (NM_001099679.2, NM_001379048.1, NM_001379049.1 and 1 more transcripts); c.2653+27462C>G (NM_014010.5); c.2794+27462C>G (NM_001365069.1); c.2806+27462C>G (NM_001365068.1).
Identifiers: ClinVar variation 1907273 (VCV001907273.6), dbSNP rs1458919098, ClinGen allele CA466916153.

ClinVar aggregate classification (germline): Likely benign. Review status: criteria provided, single submitter (1 of 4 stars). 2 submissions from 2 submitters: Likely benign (1). 1 of the submissions does not count toward it. Last evaluated 2025-10-15.

Conditions:
Bardet-Biedl syndrome (BBS). Identifiers: Orphanet 110, MedGen C0752166, MONDO:0015229.
TRIM32-related disorder. Also called: TRIM32-related condition.

gnomAD v4.1: 7 of 1,614,148 alleles (0.00043%); highest among the groups gnomAD compares: Non-Finnish European, 0.00059%; no homozygotes.

Submissions (2):

Labcorp Genetics (formerly Invitae), Labcorp
Classification: Likely benign for Bardet-Biedl syndrome. Last evaluated: 2025-10-15. Review status: criteria provided, single submitter. Criteria: Invitae Variant Classification Sherloc (09022015). Collection method: clinical testing. Allele origin: germline.

PreventionGenetics, part of Exact Sciences
Classification: Likely benign for TRIM32-related condition. Last evaluated: 2023-08-16. Review status: no assertion criteria provided. Collection method: clinical testing. Allele origin: germline. Not counted in ClinVar's aggregate classification.
Comment: This variant is classified as likely benign based on ACMG/AMP sequence variant interpretation guidelines (Richards et al. 2015 PMID: 25741868, with internal and published modifications).